The following is an entry in ClinVar:

NM_001170629.2(CHD8):c.3305A>G (p.Asn1102Ser)

Gene: CHD8 (chromodomain helicase DNA binding protein 8; minus strand). Cytogenetic location: 14q11.2.
Variant type: single nucleotide variant.
Coding change: c.3305A>G on transcript NM_001170629.2 (MANE Select); coding-DNA position 3305, A replaced by G.
Protein change: p.Asn1102Ser; replaces asparagine 1102 with serine.
Molecular consequence: missense variant.
Genome position (GRCh38, 1-based): chr14:21,405,211, T>C on the plus strand (A>G on the coding strand, the complement: CHD8 is on the minus strand). VCF-style: chr14-21405211-T-C. GRCh37 (hg19) VCF-style: chr14-21873370-T-C.
Other names: c.2468A>G, p.Asn823Ser (NM_020920.4); short protein forms N1102S, N823S.
Identifiers: ClinVar variation 588963 (VCV000588963.9), dbSNP rs369247427, ClinGen allele CA388901768.
Genomic context (GRCh38, chr14:21,405,211, plus strand): 5'-TCCGGAAAGTAAACACAGGTACTACAGAAGTTCAGGTATATACCAAGCATTCCCTCACCA[T>C]TGATGAGATATGGGTGGTTGCAGCACTTGCGCAACTCCATCATTGTGTTAAGTAGATTAG-3'
Protein context (NP_001164100.1, residues 1092-1112): RKCCNHPYLI[Asn1102Ser]GAEEKILTEF

ClinVar aggregate classification (germline): Conflicting classifications of pathogenicity. Review status: criteria provided, conflicting classifications (1 of 4 stars). 2 submissions from 2 submitters: Uncertain significance (1); Likely benign (1). Last evaluated 2026-03-03.

Conditions:
Intellectual developmental disorder with autism and macrocephaly. Also called: Autism, susceptibility to, 18; CHD8-Related Neurodevelopmental Disorder with Overgrowth. Identifiers: Orphanet 642675, MedGen C3554373, MONDO:0014017, OMIM 615032.
Inborn genetic diseases. Identifiers: MedGen C0950123, MeSH D030342.

gnomAD v4.1: 5 of 1,613,620 alleles (0.00031%); highest among the groups gnomAD compares: Non-Finnish European, 0.00034%; no homozygotes.

Submissions (2):

Ambry Genetics
Classification: Likely benign for Inborn genetic diseases. Last evaluated: 2026-03-03. Review status: criteria provided, single submitter. Criteria: Ambry Variant Classification Scheme 2023. Collection method: clinical testing. Allele origin: germline.

Juno Genomics, Hangzhou Juno Genomics, Inc
Classification: Uncertain significance for Intellectual developmental disorder with autism and macrocephaly. Review status: criteria provided, single submitter. Criteria: ACMG Guidelines, 2015. Collection method: clinical testing. Allele origin: germline.
Comment: Missense variant in a gene that has a low rate of benign missense variation.;Multiple lines of computational evidence support a deleterious effect on the gene or gene product.;Absent from controls (or at extremely low frequency if recessive) in Genome Aggregation Database.